The following is an entry in ClinVar:

ClinVar aggregate classification (germline): Uncertain significance (1 of 4 stars; one submission).

Conditions:
Duchenne muscular dystrophy (DMD). Also called: MUSCULAR DYSTROPHY, PSEUDOHYPERTROPHIC PROGRESSIVE, DUCHENNE TYPE; Duchenne Muscular Dystrophy (DMD). Identifiers: Orphanet 98896, MedGen C0013264, MONDO:0010679, OMIM 310200.

gnomAD v4.1: 1 of 1,207,142 alleles (0.000083%); highest among the groups gnomAD compares: Non-Finnish European, 0.00011%; no homozygotes.

Submission:

Labcorp Genetics (formerly Invitae), Labcorp
Classification: Uncertain significance for Duchenne muscular dystrophy. Last evaluated: 2022-06-27. Review status: criteria provided, single submitter. Criteria: Invitae Variant Classification Sherloc (09022015). Collection method: clinical testing. Allele origin: germline.
Comment: Algorithms developed to predict the effect of missense changes on protein structure and function are either unavailable or do not agree on the potential impact of this missense change (SIFT: "Deleterious"; PolyPhen-2: "Benign"; Align-GVGD: "Class C45"). In summary, the available evidence is currently insufficient to determine the role of this variant in disease. Therefore, it has been classified as a Variant of Uncertain Significance. This variant has not been reported in the literature in individuals affected with DMD-related conditions. This variant is not present in population databases (gnomAD no frequency). This sequence change replaces asparagine, which is neutral and polar, with tyrosine, which is neutral and polar, at codon 2338 of the DMD protein (p.Asn2338Tyr).

NM_004006.3(DMD):c.7012A>T (p.Asn2338Tyr)

Gene: DMD (dystrophin; minus strand). Cytogenetic location: Xp21.1.
Variant type: single nucleotide variant.
Coding change: c.7012A>T on transcript NM_004006.3 (MANE Select); coding-DNA position 7012, A replaced by T.
Protein change: p.Asn2338Tyr; replaces asparagine 2338 with tyrosine.
Molecular consequence: missense variant. On other transcripts: 5 prime UTR variant (5).
Genome position (GRCh38, 1-based): chrX:31,875,274, T>A on the plus strand (A>T on the coding strand, the complement: DMD is on the minus strand). VCF-style: chrX-31875274-T-A. GRCh37 (hg19) VCF-style: chrX-31893391-T-A.
Other names: c.6988A>T, p.Asn2330Tyr (NM_000109.4); c.7000A>T, p.Asn2334Tyr (NM_004009.3); c.6643A>T, p.Asn2215Tyr (NM_004010.3); c.2989A>T, p.Asn997Tyr (NM_004011.4); c.2980A>T, p.Asn994Tyr (NM_004012.4); c.-369A>T (NM_004013.3, NM_004020.4, NM_004021.3 and 2 more transcripts); short protein forms N2334Y, N997Y, N2215Y, N2330Y, N2338Y, N994Y.
Identifiers: ClinVar variation 1524695 (VCV001524695.6), dbSNP rs2149680239, ClinGen allele CA412660047.
Genomic context (GRCh38, chrX:31,875,274, plus strand): 5'-TTGGTTGGTTATAAATTTCCAACTGATTCCTAATAGGAGATAACCACAGCAGCAGATGAT[T>A]TAACTGCTCTTCAAGGTCTTCAAGCTTTTTTTCAAGCTGCCCAAGGTCTTTTATTTGAGC-3'
Protein context (NP_003997.2, residues 2328-2348): KKLEDLEEQL[Asn2338Tyr]HLLLWLSPIR